The following is an entry in ClinVar:

NM_139318.5(KCNH5):c.2846A>C (p.Gln949Pro)

Gene: KCNH5 (potassium voltage-gated channel subfamily H member 5; minus strand). Cytogenetic location: 14q23.2.
Variant type: single nucleotide variant.
Coding change: c.2846A>C on transcript NM_139318.5 (MANE Select); coding-DNA position 2846, A replaced by C.
Protein change: p.Gln949Pro; replaces glutamine 949 with proline.
Molecular consequence: missense variant. On other transcripts: 3 prime UTR variant (1).
Genome position (GRCh38, 1-based): chr14:62,707,629, T>G on the plus strand (A>C on the coding strand, the complement: KCNH5 is on the minus strand). VCF-style: chr14-62707629-T-G. GRCh37 (hg19) VCF-style: chr14-63174347-T-G.
Other names: c.*813A>C (NM_172375.3); short protein forms Q949P.
Identifiers: ClinVar variation 1503365 (VCV001503365.9), dbSNP rs2139898414, ClinGen allele CA390099706.

ClinVar aggregate classification (germline): Uncertain significance (1 of 4 stars; one submission).

Conditions:
Early-infantile DEE. Also called: Early infantile epileptic encephalopathy; Ohtahara syndrome; Early infantile epileptic encephalopathy with suppression bursts. Identifiers: Orphanet 1934, MedGen C0393706, MONDO:0800491.

Submission:

Labcorp Genetics (formerly Invitae), Labcorp
Classification: Uncertain significance for Early-infantile DEE. Last evaluated: 2022-08-22. Review status: criteria provided, single submitter. Criteria: Invitae Variant Classification Sherloc (09022015). Collection method: clinical testing. Allele origin: germline.
Comment: In summary, the available evidence is currently insufficient to determine the role of this variant in disease. Therefore, it has been classified as a Variant of Uncertain Significance. Advanced modeling of protein sequence and biophysical properties (such as structural, functional, and spatial information, amino acid conservation, physicochemical variation, residue mobility, and thermodynamic stability) performed at Invitae indicates that this missense variant is not expected to disrupt KCNH5 protein function. ClinVar contains an entry for this variant (Variation ID: 1503365). This variant has not been reported in the literature in individuals affected with KCNH5-related conditions. This variant is not present in population databases (gnomAD no frequency). This sequence change replaces glutamine, which is neutral and polar, with proline, which is neutral and non-polar, at codon 949 of the KCNH5 protein (p.Gln949Pro).